The following is an entry in ClinVar:

NM_003846.3(PEX11B):c.281C>T (p.Ala94Val)

Gene: PEX11B (peroxisomal biogenesis factor 11 beta; minus strand). Cytogenetic location: 1q21.1.
Variant type: single nucleotide variant.
Coding change: c.281C>T on transcript NM_003846.3 (MANE Select); coding-DNA position 281, C replaced by T.
Protein change: p.Ala94Val; replaces alanine 94 with valine.
Molecular consequence: missense variant. On other transcripts: non-coding transcript variant (3).
Genome position (GRCh38, 1-based): chr1:145,916,910, G>A on the plus strand (C>T on the coding strand, the complement: PEX11B is on the minus strand). VCF-style: chr1-145916910-G-A. GRCh37 (hg19) VCF-style: chr1-145518179-C-T.
Other names: c.239C>T, p.Ala80Val (NM_001184795.1); short protein forms A94V, A80V.
Identifiers: ClinVar variation 598236 (VCV000598236.12), dbSNP rs782811443, ClinGen allele CA342123392.

ClinVar aggregate classification (germline): Uncertain significance. Review status: criteria provided, multiple submitters, no conflicts (2 of 4 stars). 2 submissions from 2 submitters: Uncertain significance (2). Last evaluated 2021-03-19.

Allele frequency attached by ClinVar (database versions not stated): TOPMed below 0.00001.
gnomAD v4.1: 2 of 1,613,756 alleles (0.00012%); highest among the groups gnomAD compares: Non-Finnish European, 0.00017%; no homozygotes.

Submissions (2):

Labcorp Genetics (formerly Invitae), Labcorp
Classification: Uncertain significance. Last evaluated: 2021-03-19. Review status: criteria provided, single submitter. Criteria: Invitae Variant Classification Sherloc (09022015). Collection method: clinical testing. Allele origin: germline.
Comment: This variant has not been reported in the literature in individuals with PEX11B-related conditions. ClinVar contains an entry for this variant (Variation ID: 598236). This variant is not present in population databases (ExAC no frequency). This sequence change replaces alanine with valine at codon 94 of the PEX11B protein (p.Ala94Val). The alanine residue is highly conserved and there is a small physicochemical difference between alanine and valine. Algorithms developed to predict the effect of missense changes on protein structure and function are either unavailable or do not agree on the potential impact of this missense change (SIFT: "Deleterious"; PolyPhen-2: "Probably Damaging"; Align-GVGD: "Class C0"). In summary, the available evidence is currently insufficient to determine the role of this variant in disease. Therefore, it has been classified as a Variant of Uncertain Significance.

Eurofins Ntd Llc (ga)
Classification: Uncertain significance. Last evaluated: 2018-07-31. Review status: criteria provided, single submitter. Criteria: EGL ClinVar v180209 classification definitions. Collection method: clinical testing. Allele origin: germline. Observed: 1 variant allele, 1 heterozygote.